The following is an entry in ClinVar:

ClinVar aggregate classification (germline): Likely benign (0 of 4 stars; one submission).

Conditions:
PADI3-related disorder. Also called: PADI3-related condition.

Allele frequency attached by ClinVar (database versions not stated): gnomAD exomes 0.00008; ExAC 0.00031; ESP Exome Variant Server 0.00077; gnomAD 0.00090; TOPMed 0.00097; 1000 Genomes Project 0.00160; 1000 Genomes Project 30x 0.00187.
gnomAD v4.1: 257 of 1,614,048 alleles (0.016%); highest among the groups gnomAD compares: African/African-American, 0.3%; 2 homozygotes.

Submission:

PreventionGenetics, part of Exact Sciences
Classification: Likely benign for PADI3-related condition. Last evaluated: 2020-11-23. Review status: no assertion criteria provided. Collection method: clinical testing. Allele origin: germline.
Comment: This variant is classified as likely benign based on ACMG/AMP sequence variant interpretation guidelines (Richards et al. 2015 PMID: 25741868, with internal and published modifications).

NM_016233.2(PADI3):c.1636-7C>T

Gene: PADI3 (peptidyl arginine deiminase 3; plus strand). Cytogenetic location: 1p36.13.
Variant type: single nucleotide variant.
Coding change: c.1636-7C>T on transcript NM_016233.2 (MANE Select); 7 bases into the intron before coding-DNA position 1636, C replaced by T.
Molecular consequence: intron variant.
Genome position (GRCh38, 1-based): chr1:17,280,664, C>T. VCF-style: chr1-17280664-C-T. GRCh37 (hg19) VCF-style: chr1-17607159-C-T.
Identifiers: ClinVar variation 3058531 (VCV003058531.2), dbSNP rs138892691, ClinGen allele CA640182.